The following is an entry in ClinVar:

NM_007294.4(BRCA1):c.411_414del (p.Leu138fs)

Gene: BRCA1 (BRCA1 DNA repair associated; minus strand). Cytogenetic location: 17q21.31.
Variant type: Deletion.
Coding change: c.411_414del on transcript NM_007294.4 (MANE Select); coding-DNA positions 411 to 414, 4 bases deleted (TCTA; older notation c.411_414delTCTA).
Protein change: p.Leu138fs; shifts the reading frame from leucine 138.
Molecular consequence: frameshift variant. On other transcripts: non-coding transcript variant (1).
Genome position (GRCh38, 1-based): chr17:43,104,149-43,104,152, TAGA deleted on the plus strand (TCTA on the coding strand, the reverse complement: BRCA1 is on the minus strand). VCF-style (leftmost placement, unchanged base first): chr17-43104148-GTAGA-G. GRCh37 (hg19) VCF-style: chr17-41256165-GTAGA-G.
Other names: 530_533delTCTA; c.411_414delTCTA, p.Leu138Argfs (NM_001407598.1, NM_001407602.1, NM_001407603.1 and 164 more transcripts); c.402_405delTCTA, p.Leu135Argfs (NM_001407646.1, NM_001407647.1, NM_001408408.1); c.333_336delTCTA, p.Leu112Argfs (NM_001407653.1, NM_001407654.1, NM_001407655.1 and 21 more transcripts); c.270_273delTCTA, p.Leu91Argfs (NM_001407692.1, NM_001407694.1, NM_001407695.1 and 98 more transcripts); c.201_204delTCTA, p.Leu68Argfs (NM_001407853.1, NM_001407879.1, NM_001407881.1 and 58 more transcripts); c.30_33delTCTA, p.Leu11Argfs (NM_001407959.1, NM_001407960.1, NM_001407962.1 and 4 more transcripts); c.279_282delTCTA, p.Leu94Argfs (NM_001408451.1); and 2 more; short protein forms L91fs, L138fs.
Identifiers: ClinVar variation 266445 (VCV000266445.6), dbSNP rs886040203, ClinGen allele CA10590010.

ClinVar aggregate classification (germline): Pathogenic. Review status: reviewed by expert panel (3 of 4 stars). 2 submissions from 2 submitters: Pathogenic (1). 1 of the submissions does not count toward it. Last evaluated 2016-10-18.

Conditions:
Breast-ovarian cancer, familial, susceptibility to, 1 (BROVCA1). Also called: BRCA1 Hereditary Breast and Ovarian Cancer; OVARIAN CANCER, SUSCEPTIBILITY TO. Identifiers: Orphanet 145, MedGen C2676676, MONDO:0011450, OMIM 604370. Disease mechanism: loss of function.

Submissions (2):

Evidence-based Network for the Interpretation of Germline Mutant Alleles (ENIGMA)
Classification: Pathogenic for Breast-ovarian cancer, familial, susceptibility to, 1. Last evaluated: 2016-10-18. Review status: reviewed by expert panel. Criteria: ENIGMA BRCA1/2 Classification Criteria (2015). Collection method: curation. Allele origin: germline.
Comment: Variant allele predicted to encode a truncated non-functional protein.

Consortium of Investigators of Modifiers of BRCA1/2 (CIMBA), c/o University of Cambridge
Classification: Pathogenic for Breast-ovarian cancer, familial, susceptibility to, 1. Last evaluated: 2015-10-02. Review status: criteria provided, single submitter. Criteria: CIMBA Mutation Classification guidelines May 2016. Collection method: clinical testing. Allele origin: germline. Not counted in ClinVar's aggregate classification.